The following is an entry in ClinVar:

ClinVar aggregate classification (germline): Likely benign (1 of 4 stars; one submission).

Conditions:
Fraser syndrome 3. Identifiers: MedGen C4540040, MONDO:0054739, OMIM 617667.

Allele frequency attached by ClinVar (database versions not stated): gnomAD 0.00024 and 0.00047; TOPMed 0.00027; gnomAD exomes 0.00083; 1000 Genomes Project 0.00160; 1000 Genomes Project 30x 0.00203.
gnomAD v4.1: 382 of 545,506 alleles (0.07%); highest among the groups gnomAD compares: South Asian, 0.78%; 3 homozygotes.

Submission:

Illumina Laboratory Services, Illumina
Classification: Likely benign for Fraser syndrome 3. Last evaluated: 2018-01-13. Review status: criteria provided, single submitter. Criteria: ICSL Variant Classification Criteria 13 December 2019. Collection method: clinical testing. Allele origin: germline.
Comment: This variant was observed in the ICSL laboratory as part of a predisposition screen in an ostensibly healthy population. It had not been previously curated by ICSL or reported in the Human Gene Mutation Database (HGMD: prior to June 1st, 2018), and was therefore a candidate for classification through an automated scoring system. Utilizing variant allele frequency, disease prevalence and penetrance estimates, and inheritance mode, an automated score was calculated to assess if this variant is too frequent to cause the disease. Based on the score and internal cut-off values, a variant classified as likely benign is not then subjected to further curation. The score for this variant resulted in a classification of likely benign for this disease.

NM_001366722.1(GRIP1):c.*234G>A

Gene: GRIP1 (glutamate receptor interacting protein 1; minus strand). Cytogenetic location: 12q14.3.
Variant type: single nucleotide variant.
Coding change: c.*234G>A on transcript NM_001366722.1 (MANE Select); 234 bases downstream of the stop codon, G replaced by A.
Molecular consequence: 3 prime UTR variant.
Genome position (GRCh38, 1-based): chr12:66,348,785, C>T on the plus strand (G>A on the coding strand, the complement: GRIP1 is on the minus strand). VCF-style: chr12-66348785-C-T. GRCh37 (hg19) VCF-style: chr12-66742565-C-T.
Other names: c.*234G>A (NM_001178074.2, NM_001366723.1, NM_001366724.1 and 1 more transcripts).
Identifiers: ClinVar variation 310295 (VCV000310295.5), dbSNP rs541596282, ClinGen allele CA10643236.